The following is an entry in ClinVar:

ClinVar aggregate classification (germline): Uncertain significance (1 of 4 stars; one submission).

gnomAD v4.1: 1 of 1,614,096 alleles (0.000062%); highest among the groups gnomAD compares: South Asian, 0.0011%; no homozygotes.

Submission:

Labcorp Genetics (formerly Invitae), Labcorp
Classification: Uncertain significance. Last evaluated: 2026-01-12. Review status: criteria provided, single submitter. Criteria: Invitae Variant Classification Sherloc (09022015). Collection method: clinical testing. Allele origin: germline.
Comment: This sequence change replaces serine, which is neutral and polar, with cysteine, which is neutral and slightly polar, at codon 737 of the BNC2 protein (p.Ser737Cys). This variant is not present in population databases (gnomAD no frequency). This variant has not been reported in the literature in individuals affected with BNC2-related conditions. ClinVar contains an entry for this variant (Variation ID: 3675888). An algorithm developed to predict the effect of missense changes on protein structure and function (PolyPhen-2) suggests that this variant is likely to be tolerated. In summary, the available evidence is currently insufficient to determine the role of this variant in disease. Therefore, it has been classified as a Variant of Uncertain Significance.

NM_017637.6(BNC2):c.2210C>G (p.Ser737Cys)

Genes: BNC2 (basonuclin zinc finger protein 2; minus strand), LOC126860585 (MED14-independent group 3 enhancer GRCh37_chr9:16435259-16436458; plus strand). Cytogenetic location: 9p22.3.
Variant type: single nucleotide variant.
Coding change: c.2210C>G on transcript NM_017637.6 (MANE Select); coding-DNA position 2210, C replaced by G.
Protein change: p.Ser737Cys; replaces serine 737 with cysteine.
Molecular consequence: missense variant.
Genome position (GRCh38, 1-based): chr9:16,435,984, G>C on the plus strand (C>G on the coding strand, the complement: BNC2 is on the minus strand). VCF-style: chr9-16435984-G-C. GRCh37 (hg19) VCF-style: chr9-16435982-G-C.
Other names: c.2084C>G, p.Ser695Cys (NM_001317939.2); c.1925C>G, p.Ser642Cys (NM_001317940.2); short protein forms S695C, S737C, S642C.
Identifiers: ClinVar variation 3675888 (VCV003675888.2).